The following is an entry in ClinVar:

NM_001267550.2(TTN):c.105680C>T (p.Ala35227Val)

Genes: TTN (titin; minus strand), TTN-AS1 (TTN antisense RNA 1; plus strand), LOC129935183 (ATAC-STARR-seq lymphoblastoid active region 16808; plus strand). Cytogenetic location: 2q31.2.
Variant type: single nucleotide variant.
Coding change: c.105680C>T on transcript NM_001267550.2 (MANE Select); coding-DNA position 105680, C replaced by T.
Protein change: p.Ala35227Val; replaces alanine 35227 with valine.
Molecular consequence: missense variant.
Genome position (GRCh38, 1-based): chr2:178,530,935, G>A on the plus strand (C>T on the coding strand, the complement: TTN is on the minus strand). VCF-style: chr2-178530935-G-A. GRCh37 (hg19) VCF-style: chr2-179395662-G-A.
Other names: c.100757C>T, p.Ala33586Val (NM_001256850.1); c.78485C>T, p.Ala26162Val (NM_003319.4); c.97976C>T, p.Ala32659Val (NM_133378.4); c.78860C>T, p.Ala26287Val (NM_133432.3); c.79061C>T, p.Ala26354Val (NM_133437.4); short protein forms A35227V, A32659V, A26162V, A26354V, A26287V, A33586V.
Identifiers: ClinVar variation 196649 (VCV000196649.6), dbSNP rs794727541, ClinGen allele CA243684.

ClinVar aggregate classification (germline): Uncertain significance. Review status: criteria provided, multiple submitters, no conflicts (2 of 4 stars). 2 submissions from 2 submitters: Uncertain significance (2). Last evaluated 2020-02-10.

Conditions:
Dilated cardiomyopathy 1G (CMD1G). Identifiers: Orphanet 154, MedGen C1858763, MONDO:0011400, OMIM 604145.

Allele frequency attached by ClinVar (database versions not stated): gnomAD exomes below 0.00001; TOPMed below 0.00001; gnomAD 0.00003.
gnomAD v4.1: 5 of 1,613,844 alleles (0.00031%); highest among the groups gnomAD compares: African/African-American, 0.0067%; no homozygotes.

Submissions (2):

Baylor Genetics
Classification: Uncertain significance for Dilated cardiomyopathy 1G. Last evaluated: 2020-02-10. Review status: criteria provided, single submitter. Criteria: ACMG Guidelines, 2015. Collection method: clinical testing. Allele origin: unknown. Affected: yes.
Comment: This variant was determined to be of uncertain significance according to ACMG Guidelines, 2015 [PMID:25741868].

Eurofins Ntd Llc (ga)
Classification: Uncertain significance. Last evaluated: 2014-12-16. Review status: criteria provided, single submitter. Criteria: EGL Classification Definitions 2015. Collection method: clinical testing. Allele origin: germline. Observed: 1 variant allele, 1 heterozygote.